The following is an entry in ClinVar:

ClinVar aggregate classification (germline): Uncertain significance (1 of 4 stars; one submission).

Conditions:
Cardiovascular phenotype. Identifiers: MedGen CN230736.

Submission:

Ambry Genetics
Classification: Uncertain significance for Cardiovascular phenotype. Last evaluated: 2026-02-14. Review status: criteria provided, single submitter. Criteria: Ambry Variant Classification Scheme 2023. Collection method: clinical testing. Allele origin: germline.
Comment: The p.G3520V variant (also known as c.10559G>T), located in coding exon 30 of the TNXB gene, results from a G to T substitution at nucleotide position 10559. The glycine at codon 3520 is replaced by valine, an amino acid with dissimilar properties. This amino acid position is conserved. In addition, this alteration is predicted to be tolerated by in silico analysis. Based on the available evidence, the clinical significance of this variant remains unclear.

NM_001365276.2(TNXB):c.10565G>T (p.Gly3522Val)

Gene: TNXB (tenascin XB; minus strand). Cytogenetic location: 6p21.33.
Variant type: single nucleotide variant.
Coding change: c.10565G>T on transcript NM_001365276.2 (MANE Select); coding-DNA position 10565, G replaced by T.
Protein change: p.Gly3522Val; replaces glycine 3522 with valine.
Molecular consequence: missense variant.
Genome position (GRCh38, 1-based): chr6:32,046,216, C>A on the plus strand (G>T on the coding strand, the complement: TNXB is on the minus strand). VCF-style: chr6-32046216-C-A. GRCh37 (hg19) VCF-style: chr6-32013993-C-A.
Other names: c.11306G>T, p.Gly3769Val (NM_001428335.1); c.10559G>T, p.Gly3520Val (NM_019105.8); short protein forms G3520V, G3522V, G3769V.
Identifiers: ClinVar variation 4824407 (VCV004824407.1).